The following is an entry in ClinVar:

NM_004360.5(CDH1):c.-49G>T

Genes: CDH1 (cadherin 1; plus strand), LOC130059290 (ATAC-STARR-seq lymphoblastoid silent region 7650; plus strand). Cytogenetic location: 16q22.1.
Variant type: single nucleotide variant.
Coding change: c.-49G>T on transcript NM_004360.5 (MANE Select); 49 bases upstream of the start codon, G replaced by T.
Molecular consequence: 5 prime UTR variant.
Genome position (GRCh38, 1-based): chr16:68,737,367, G>T. VCF-style: chr16-68737367-G-T. GRCh37 (hg19) VCF-style: chr16-68771270-G-T.
Other names: c.-49G>T (LRG_301t1, NM_001317184.2); c.-1664G>T (NM_001317185.2); c.-1868G>T (NM_001317186.2).
Identifiers: ClinVar variation 239872 (VCV000239872.15), dbSNP rs564350060, ClinGen allele CA10583398.

ClinVar aggregate classification (germline): Benign/Likely benign. Review status: criteria provided, multiple submitters, no conflicts (2 of 4 stars). 3 submissions from 3 submitters: Benign (2); Likely benign (1). Last evaluated 2025-04-21.

Conditions:
Hereditary diffuse gastric adenocarcinoma (HDGC). Also called: DIFFUSE GASTRIC AND LOBULAR BREAST CANCER SYNDROME. Identifiers: Orphanet 26106, MedGen C1708349, MONDO:0007648, OMIM 137215.

Allele frequency attached by ClinVar (database versions not stated): 1000 Genomes Project 0.00020; TOPMed 0.00027; 1000 Genomes Project 30x 0.00031; gnomAD exomes 0.00003 and 0.00008; gnomAD 0.00013.

Submissions (3):

Labcorp Genetics (formerly Invitae), Labcorp
Classification: Benign for Hereditary diffuse gastric adenocarcinoma. Last evaluated: 2025-04-21. Review status: criteria provided, single submitter. Criteria: Invitae Variant Classification Sherloc (09022015). Collection method: clinical testing. Allele origin: germline.

Center for Genomic Medicine, Rigshospitalet, Copenhagen University Hospital
Classification: Likely benign. Last evaluated: 2025-03-04. Review status: criteria provided, single submitter. Criteria: ACMG Guidelines, 2015. Collection method: clinical testing. Allele origin: germline.

GeneDx
Classification: Benign. Last evaluated: 2015-04-16. Review status: criteria provided, single submitter. Criteria: GeneDx Variant Classification (06012015). Collection method: clinical testing. Allele origin: germline. Affected: yes.
Comment: This variant is considered likely benign or benign based on one or more of the following criteria: it is a conservative change, it occurs at a poorly conserved position in the protein, it is predicted to be benign by multiple in silico algorithms, and/or has population frequency not consistent with disease.